The following is an entry in ClinVar:

ClinVar aggregate classification (germline): Uncertain significance. Review status: criteria provided, multiple submitters, no conflicts (2 of 4 stars). 2 submissions from 2 submitters: Uncertain significance (2). Last evaluated 2025-09-10.

Conditions:
Malignant hyperthermia, susceptibility to, 1 (MHS1). Also called: Anesthesia related hyperthermia; Malignant hyperpyrexia; Fulminating hyperpyrexia; Pharmacogenic myopathy; RYR1-Related Malignant Hyperthermia Susceptibility; Malignant hyperthermia suceptibility 1. Identifiers: Orphanet 423, MedGen C2930980, MONDO:0007783, OMIM 145600.
RYR1-related disorder. Also called: RYR1-related condition; RYR1-related disorders. Identifiers: MedGen CN239331.

gnomAD v4.1: 40 of 1,614,172 alleles (0.0025%); highest among the groups gnomAD compares: East Asian, 0.082%; no homozygotes.

Submissions (2):

Labcorp Genetics (formerly Invitae), Labcorp
Classification: Uncertain significance for RYR1-related disorder. Last evaluated: 2025-09-10. Review status: criteria provided, single submitter. Criteria: Invitae Variant Classification Sherloc (09022015). Collection method: clinical testing. Allele origin: germline.
Comment: This sequence change replaces leucine, which is neutral and non-polar, with valine, which is neutral and non-polar, at codon 749 of the RYR1 protein (p.Leu749Val). This variant is present in population databases (rs571423946, gnomAD 0.05%). This variant has not been reported in the literature in individuals affected with RYR1-related conditions. Invitae Evidence Modeling of protein sequence and biophysical properties (such as structural, functional, and spatial information, amino acid conservation, physicochemical variation, residue mobility, and thermodynamic stability) has been performed for this missense variant. However, the output from this modeling did not meet the statistical confidence thresholds required to predict the impact of this variant on RYR1 protein function. In summary, the available evidence is currently insufficient to determine the role of this variant in disease. Therefore, it has been classified as a Variant of Uncertain Significance.

Color Diagnostics, LLC DBA Color Health
Classification: Uncertain significance for Malignant hyperthermia, susceptibility to, 1. Last evaluated: 2024-02-14. Review status: criteria provided, single submitter. Criteria: ACMG Guidelines, 2015. Collection method: clinical testing. Allele origin: germline.
Comment: This missense variant replaces leucine with valine at codon 749 of the RYR1 protein. Computational prediction is inconclusive regarding the impact of this variant on protein structure and function. To our knowledge, functional studies have not been reported for this variant. This variant has not been reported in individuals affected with RYR1-related disorders in the literature. This variant has been identified in 11/251422 chromosomes in the general population by the Genome Aggregation Database (gnomAD). The available evidence is insufficient to determine the role of this variant in disease conclusively. Therefore, this variant is classified as a Variant of Uncertain Significance.

NM_000540.3(RYR1):c.2245C>G (p.Leu749Val)

Gene: RYR1 (ryanodine receptor 1; plus strand). Cytogenetic location: 19q13.2.
Variant type: single nucleotide variant.
Coding change: c.2245C>G on transcript NM_000540.3 (MANE Select); coding-DNA position 2245, C replaced by G.
Protein change: p.Leu749Val; replaces leucine 749 with valine.
Molecular consequence: missense variant.
Genome position (GRCh38, 1-based): chr19:38,459,223, C>G. VCF-style: chr19-38459223-C-G. GRCh37 (hg19) VCF-style: chr19-38949863-C-G.
Other names: c.2245C>G, p.Leu749Val (NM_001042723.2); short protein forms L749V.
Identifiers: ClinVar variation 4733260 (VCV004733260.1).